The following is an entry in ClinVar:

NM_000038.6(APC):c.3700A>T (p.Ser1234Cys)

Gene: APC (APC regulator of Wnt signaling pathway; plus strand). Cytogenetic location: 5q22.2.
Variant type: single nucleotide variant.
Coding change: c.3700A>T on transcript NM_000038.6 (MANE Select); coding-DNA position 3700, A replaced by T.
Protein change: p.Ser1234Cys; replaces serine 1234 with cysteine.
Molecular consequence: missense variant.
Genome position (GRCh38, 1-based): chr5:112,839,294, A>T. VCF-style: chr5-112839294-A-T. GRCh37 (hg19) VCF-style: chr5-112174991-A-T.
Other names: c.3700A>T, p.Ser1234Cys (NM_001127510.3, NM_001354895.2); c.3646A>T, p.Ser1216Cys (NM_001127511.3); c.3754A>T, p.Ser1252Cys (NM_001354896.2); c.3730A>T, p.Ser1244Cys (NM_001354897.2); c.3625A>T, p.Ser1209Cys (NM_001354898.2); c.3616A>T, p.Ser1206Cys (NM_001354899.2); c.3577A>T, p.Ser1193Cys (NM_001354900.2); c.3523A>T, p.Ser1175Cys (NM_001354901.2); and 5 more; short protein forms S1216C, S1234C, S1143C, S951C, S1108C, S1133C, S1209C, S1244C.
Identifiers: ClinVar variation 231790 (VCV000231790.20), dbSNP rs876659366, ClinGen allele CA10578355.
Genomic context (GRCh38, chr5:112,839,294, plus strand): 5'-AGCAGTGAGAATACGTCCACACCTTCATCTAATGCCAAGAGGCAGAATCAGCTCCATCCA[A>T]GTTCTGCACAGAGTAGAAGTGGTCAGCCTCAAAAGGCTGCCACTTGCAAAGTTTCTTCTA-3'
Protein context (NP_000029.2, residues 1224-1244): NAKRQNQLHP[Ser1234Cys]SAQSRSGQPQ

ClinVar aggregate classification (germline): Uncertain significance. Review status: criteria provided, multiple submitters, no conflicts (2 of 4 stars). 4 submissions from 4 submitters: Uncertain significance (4). Last evaluated 2025-10-31.

Conditions:
Familial adenomatous polyposis 1 (FAP1). Also called: FAMILIAL ADENOMATOUS POLYPOSIS 1, ATTENUATED; POLYPOSIS, ADENOMATOUS INTESTINAL. Identifiers: MedGen C2713442, MONDO:0021056, OMIM 175100. Disease mechanism: loss of function.
Hereditary cancer-predisposing syndrome. Also called: Neoplastic Syndromes, Hereditary; Tumor predisposition; Hereditary Cancer Syndrome; Hereditary neoplastic syndrome. Identifiers: Orphanet 140162, MedGen C0027672, MeSH D009386, MONDO:0015356.

Allele frequency attached by ClinVar (database versions not stated): gnomAD exomes below 0.00001; TOPMed below 0.00001; gnomAD 0.00001.
gnomAD v4.1: 2 of 1,614,058 alleles (0.00012%); highest among the groups gnomAD compares: Non-Finnish European, 0.00017%; no homozygotes.

Submissions (4):

Women's Health and Genetics/Laboratory Corporation of America, LabCorp
Classification: Uncertain significance. Last evaluated: 2025-10-31. Review status: criteria provided, single submitter. Criteria: LabCorp Variant Classification Summary - May 2015. Collection method: clinical testing. Allele origin: germline.

Labcorp Genetics (formerly Invitae), Labcorp
Classification: Uncertain significance for Familial adenomatous polyposis 1. Last evaluated: 2024-07-30. Review status: criteria provided, single submitter. Criteria: Invitae Variant Classification Sherloc (09022015). Collection method: clinical testing. Allele origin: germline.
Comment: This sequence change replaces serine, which is neutral and polar, with cysteine, which is neutral and slightly polar, at codon 1234 of the APC protein (p.Ser1234Cys). This variant is not present in population databases (gnomAD no frequency). This variant has not been reported in the literature in individuals affected with APC-related conditions. ClinVar contains an entry for this variant (Variation ID: 231790). Advanced modeling of protein sequence and biophysical properties (such as structural, functional, and spatial information, amino acid conservation, physicochemical variation, residue mobility, and thermodynamic stability) performed at Invitae indicates that this missense variant is not expected to disrupt APC protein function with a negative predictive value of 95%. In summary, the available evidence is currently insufficient to determine the role of this variant in disease. Therefore, it has been classified as a Variant of Uncertain Significance.

Ambry Genetics
Classification: Uncertain significance for Hereditary cancer-predisposing syndrome. Last evaluated: 2024-05-19. Review status: criteria provided, single submitter. Criteria: Ambry Variant Classification Scheme 2023. Collection method: clinical testing. Allele origin: germline.
Comment: The p.S1234C variant (also known as c.3700A>T), located in coding exon 15 of the APC gene, results from an A to T substitution at nucleotide position 3700. The serine at codon 1234 is replaced by cysteine, an amino acid with dissimilar properties. This amino acid position is not well conserved in available vertebrate species. In addition, in silico predictors for this gene do not accurately predict pathogenicity. Since supporting evidence is limited at this time, the clinical significance of this alteration remains unclear.

Baylor Genetics
Classification: Uncertain significance for Familial adenomatous polyposis 1. Last evaluated: 2023-12-26. Review status: criteria provided, single submitter. Criteria: ACMG Guidelines, 2015. Collection method: clinical testing. Allele origin: unknown.